The following is an entry in ClinVar:

ClinVar aggregate classification (germline): Conflicting classifications of pathogenicity. Review status: criteria provided, conflicting classifications (1 of 4 stars). 3 submissions from 3 submitters: Uncertain significance (2); Benign (1). Last evaluated 2025-09-24.

Conditions:
Inborn genetic diseases. Identifiers: MedGen C0950123, MeSH D030342.

Allele frequency attached by ClinVar (database versions not stated): gnomAD 0.00004; ExAC 0.00009.
gnomAD v4.1: 47 of 1,613,978 alleles (0.0029%); highest among the groups gnomAD compares: East Asian, 0.074%; no homozygotes.

Submissions (3):

Labcorp Genetics (formerly Invitae), Labcorp
Classification: Uncertain significance. Last evaluated: 2025-09-24. Review status: criteria provided, single submitter. Criteria: Invitae Variant Classification Sherloc (09022015). Collection method: clinical testing. Allele origin: germline.
Comment: This sequence change replaces glycine, which is neutral and non-polar, with alanine, which is neutral and non-polar, at codon 1388 of the LAMA1 protein (p.Gly1388Ala). This variant is present in population databases (rs774814277, gnomAD 0.1%). This variant has not been reported in the literature in individuals affected with LAMA1-related conditions. ClinVar contains an entry for this variant (Variation ID: 2158157). Invitae Evidence Modeling of protein sequence and biophysical properties (such as structural, functional, and spatial information, amino acid conservation, physicochemical variation, residue mobility, and thermodynamic stability) indicates that this missense variant is not expected to disrupt LAMA1 protein function with a negative predictive value of 80%. In summary, the available evidence is currently insufficient to determine the role of this variant in disease. Therefore, it has been classified as a Variant of Uncertain Significance.

Blueprint Genetics
Classification: Benign. Last evaluated: 2024-06-17. Review status: criteria provided, single submitter. Criteria: ACMG Guidelines, 2015. Collection method: clinical testing. Allele origin: germline.

Ambry Genetics
Classification: Uncertain significance for Inborn genetic diseases. Last evaluated: 2023-10-13. Review status: criteria provided, single submitter. Criteria: Ambry Variant Classification Scheme 2023. Collection method: clinical testing. Allele origin: germline.

NM_005559.4(LAMA1):c.4163G>C (p.Gly1388Ala)

Gene: LAMA1 (laminin subunit alpha 1; minus strand). Cytogenetic location: 18p11.31.
Variant type: single nucleotide variant.
Coding change: c.4163G>C on transcript NM_005559.4 (MANE Select); coding-DNA position 4163, G replaced by C.
Protein change: p.Gly1388Ala; replaces glycine 1388 with alanine.
Molecular consequence: missense variant.
Genome position (GRCh38, 1-based): chr18:7,007,236, C>G on the plus strand (G>C on the coding strand, the complement: LAMA1 is on the minus strand). VCF-style: chr18-7007236-C-G. GRCh37 (hg19) VCF-style: chr18-7007235-C-G.
Other names: c.4163G>C (NM_005559.3); short protein forms G1388A.
Identifiers: ClinVar variation 2158157 (VCV002158157.6), dbSNP rs774814277, ClinGen allele CA8882002.